The following is an entry in ClinVar:

NM_000270.4(PNP):c.482C>T (p.Ala161Val)

Gene: PNP (purine nucleoside phosphorylase; plus strand). Cytogenetic location: 14q11.2.
Variant type: single nucleotide variant.
Coding change: c.482C>T on transcript NM_000270.4 (MANE Select); coding-DNA position 482, C replaced by T.
Protein change: p.Ala161Val; replaces alanine 161 with valine.
Molecular consequence: missense variant.
Genome position (GRCh38, 1-based): chr14:20,475,082, C>T. VCF-style: chr14-20475082-C-T. GRCh37 (hg19) VCF-style: chr14-20943241-C-T.
Other names: short protein forms A161V.
Identifiers: ClinVar variation 529206 (VCV000529206.5), dbSNP rs150531909, ClinGen allele CA7082148.

ClinVar aggregate classification (germline): Uncertain significance (1 of 4 stars; one submission).

Conditions:
Purine-nucleoside phosphorylase deficiency. Also called: NUCLEOSIDE PHOSPHORYLASE DEFICIENCY; Immunodeficiency due to purine nucleoside phosphorylase deficiency. Identifiers: Orphanet 760, MedGen C0268125, MONDO:0013171, OMIM 613179.

Allele frequency attached by ClinVar (database versions not stated): ExAC 0.00002; gnomAD 0.00003 and 0.00004; gnomAD exomes 0.00004; ESP Exome Variant Server 0.00008; TOPMed 0.00008.
gnomAD v4.1: 180 of 1,614,052 alleles (0.011%); highest among the groups gnomAD compares: Non-Finnish European, 0.015%; no homozygotes.

Submission:

Labcorp Genetics (formerly Invitae), Labcorp
Classification: Uncertain significance for Purine-nucleoside phosphorylase deficiency. Last evaluated: 2023-07-07. Review status: criteria provided, single submitter. Criteria: Invitae Variant Classification Sherloc (09022015). Collection method: clinical testing. Allele origin: germline.
Comment: This sequence change replaces alanine, which is neutral and non-polar, with valine, which is neutral and non-polar, at codon 161 of the PNP protein (p.Ala161Val). This variant is present in population databases (rs150531909, gnomAD 0.009%). This variant has not been reported in the literature in individuals affected with PNP-related conditions. ClinVar contains an entry for this variant (Variation ID: 529206). Advanced modeling of protein sequence and biophysical properties (such as structural, functional, and spatial information, amino acid conservation, physicochemical variation, residue mobility, and thermodynamic stability) performed at Invitae indicates that this missense variant is not expected to disrupt PNP protein function. In summary, the available evidence is currently insufficient to determine the role of this variant in disease. Therefore, it has been classified as a Variant of Uncertain Significance.